The following is an entry in ClinVar:

NM_004204.5(PIGQ):c.1529C>A (p.Ala510Glu)

Gene: PIGQ (phosphatidylinositol glycan anchor biosynthesis class Q; plus strand). Cytogenetic location: 16p13.3.
Variant type: single nucleotide variant.
Coding change: c.1529C>A on transcript NM_004204.5 (MANE Select); coding-DNA position 1529, C replaced by A.
Protein change: p.Ala510Glu; replaces alanine 510 with glutamic acid.
Molecular consequence: missense variant.
Genome position (GRCh38, 1-based): chr16:580,970, C>A. VCF-style: chr16-580970-C-A. GRCh37 (hg19) VCF-style: chr16-630970-C-A.
Other names: c.1529C>A (NM_148920.1); c.1529C>A, p.Ala510Glu (NM_148920.4); short protein forms A510E.
Identifiers: ClinVar variation 2172663 (VCV002172663.2), dbSNP rs752541286, ClinGen allele CA7780329.
Genomic context (GRCh38, chr16:580,970, plus strand): 5'-TCATCAACTCCCTGCCGCTGTACTCACTGGGTCTTCGGCTCTGCCGGCCCTACAGGCTGG[C>A]GGGTAAGTGCTGCGTATTGGGCAGCTGGCCCTGGGTAGGTGGAGGGGAACCACACCTGTG-3'
Protein context (NP_004195.2, residues 500-520): GLRLCRPYRL[Ala510Glu]AGVKFRVLRH

ClinVar aggregate classification (germline): Uncertain significance. Review status: criteria provided, multiple submitters, no conflicts (2 of 4 stars). 2 submissions from 2 submitters: Uncertain significance (2). Last evaluated 2024-05-30.

Conditions:
Inborn genetic diseases. Identifiers: MedGen C0950123, MeSH D030342.
Epilepsy. Also called: Seizure disorder. Identifiers: MedGen C0014544, MeSH D004827, MONDO:0005027.

gnomAD v4.1: 48 of 1,597,626 alleles (0.003%); highest among the groups gnomAD compares: Non-Finnish European, 0.0035%; no homozygotes.

Submissions (2):

Ambry Genetics
Classification: Uncertain significance for Inborn genetic diseases. Last evaluated: 2024-05-30. Review status: criteria provided, single submitter. Criteria: Ambry Variant Classification Scheme 2023. Collection method: clinical testing. Allele origin: germline.

Labcorp Genetics (formerly Invitae), Labcorp
Classification: Uncertain significance for Epilepsy. Last evaluated: 2022-05-04. Review status: criteria provided, single submitter. Criteria: Invitae Variant Classification Sherloc (09022015). Collection method: clinical testing. Allele origin: germline.
Comment: This sequence change replaces alanine, which is neutral and non-polar, with glutamic acid, which is acidic and polar, at codon 510 of the PIGQ protein (p.Ala510Glu). This variant is present in population databases (rs752541286, gnomAD 0.007%). This variant has not been reported in the literature in individuals affected with PIGQ-related conditions. Algorithms developed to predict the effect of missense changes on protein structure and function are either unavailable or do not agree on the potential impact of this missense change (SIFT: "Tolerated"; PolyPhen-2: "Possibly Damaging"; Align-GVGD: "Class C15"). In summary, the available evidence is currently insufficient to determine the role of this variant in disease. Therefore, it has been classified as a Variant of Uncertain Significance.